The following is an entry in ClinVar:

ClinVar aggregate classification (germline): Pathogenic (1 of 4 stars; one submission).

Conditions:
Trichorhinophalangeal dysplasia type I (TRPS1). Also called: TRICHORHINOPHALANGEAL SYNDROME, TYPE I; TRPS I. Identifiers: Orphanet 77258, MedGen C0432233, MONDO:0008596, OMIM 190350.
Trichorhinophalangeal syndrome, type III (TRPS3). Also called: SUGIO-KAJII SYNDROME. Identifiers: Orphanet 77258, MedGen C1860823, OMIM 190351, MONDO:0008597.

Submission:

Labcorp Genetics (formerly Invitae), Labcorp
Classification: Pathogenic for Trichorhinophalangeal syndrome, type III; Trichorhinophalangeal dysplasia type I. Last evaluated: 2025-01-17. Review status: criteria provided, single submitter. Criteria: Invitae Variant Classification Sherloc (09022015). Collection method: clinical testing. Allele origin: germline.
Comment: This sequence change creates a premature translational stop signal (p.Gln438*) in the TRPS1 gene. It is expected to result in an absent or disrupted protein product. Loss-of-function variants in TRPS1 are known to be pathogenic (PMID: 11112658). This variant is not present in population databases (gnomAD no frequency). This variant has not been reported in the literature in individuals affected with TRPS1-related conditions. For these reasons, this variant has been classified as Pathogenic.

Literature cited by the submitters: PubMed 11112658.

NM_014112.5(TRPS1):c.1312C>T (p.Gln438Ter)

Gene: TRPS1 (transcriptional repressor GATA binding 1; minus strand). Cytogenetic location: 8q23.3.
Variant type: single nucleotide variant.
Coding change: c.1312C>T on transcript NM_014112.5 (MANE Select); coding-DNA position 1312, C replaced by T.
Protein change: p.Gln438Ter; replaces glutamine 438 with a stop codon.
Molecular consequence: nonsense.
Genome position (GRCh38, 1-based): chr8:115,604,657, G>A on the plus strand (C>T on the coding strand, the complement: TRPS1 is on the minus strand). VCF-style: chr8-115604657-G-A. GRCh37 (hg19) VCF-style: chr8-116616884-G-A.
Other names: c.1285C>T, p.Gln429Ter (NM_001282902.3); c.1291C>T, p.Gln431Ter (NM_001282903.3); c.1273C>T, p.Gln425Ter (NM_001330599.2); short protein forms Q425*, Q429*, Q431*, Q438*.
Identifiers: ClinVar variation 3760342 (VCV003760342.2).